The following is an entry in ClinVar:

ClinVar aggregate classification (germline): Uncertain significance. Review status: criteria provided, multiple submitters, no conflicts (2 of 4 stars). 3 submissions from 3 submitters: Uncertain significance (3). Last evaluated 2025-06-09.

Conditions:
RYR1-related disorder. Also called: RYR1-related disorders; RYR1-related condition. Identifiers: MedGen CN239331.
Malignant hyperthermia, susceptibility to, 1 (MHS1). Also called: Malignant hyperthermia suceptibility 1; RYR1-Related Malignant Hyperthermia Susceptibility; Anesthesia related hyperthermia; Malignant hyperpyrexia; Fulminating hyperpyrexia; Pharmacogenic myopathy. Identifiers: Orphanet 423, MedGen C2930980, MONDO:0007783, OMIM 145600.

Allele frequency attached by ClinVar (database versions not stated): gnomAD exomes below 0.00001; TOPMed below 0.00001.
gnomAD v4.1: 7 of 1,612,494 alleles (0.00043%); highest among the groups gnomAD compares: Non-Finnish European, 0.00051%; no homozygotes.

Submissions (3):

Color Diagnostics, LLC DBA Color Health
Classification: Uncertain significance for Malignant hyperthermia, susceptibility to, 1. Last evaluated: 2025-06-09. Review status: criteria provided, single submitter. Criteria: ACMG Guidelines, 2015. Collection method: clinical testing. Allele origin: germline.
Comment: This missense variant replaces alanine with valine at codon 2566 of the RYR1 protein. Computational prediction suggests that this variant may have deleterious impact on protein structure and function. To our knowledge, functional studies have not been reported for this variant. This variant has not been reported in individuals affected with RYR1-related disorders in the literature. This variant has been identified in 1/250108 chromosomes in the general population by the Genome Aggregation Database (gnomAD). The available evidence is insufficient to determine the role of this variant in disease conclusively. Therefore, this variant is classified as a Variant of Uncertain Significance.

Labcorp Genetics (formerly Invitae), Labcorp
Classification: Uncertain significance for RYR1-related disorder. Last evaluated: 2023-06-30. Review status: criteria provided, single submitter. Criteria: Invitae Variant Classification Sherloc (09022015). Collection method: clinical testing. Allele origin: germline.
Comment: In summary, the available evidence is currently insufficient to determine the role of this variant in disease. Therefore, it has been classified as a Variant of Uncertain Significance. Advanced modeling of protein sequence and biophysical properties (such as structural, functional, and spatial information, amino acid conservation, physicochemical variation, residue mobility, and thermodynamic stability) has been performed at Invitae for this missense variant, however the output from this modeling did not meet the statistical confidence thresholds required to predict the impact of this variant on RYR1 protein function. This variant has not been reported in the literature in individuals affected with RYR1-related conditions. The frequency data for this variant in the population databases is considered unreliable, as metrics indicate poor data quality at this position in the gnomAD database. This sequence change replaces alanine, which is neutral and non-polar, with valine, which is neutral and non-polar, at codon 2566 of the RYR1 protein (p.Ala2566Val).

GeneDx
Classification: Uncertain significance. Last evaluated: 2023-03-01. Review status: criteria provided, single submitter. Criteria: GeneDx Variant Classification Process June 2021. Collection method: clinical testing. Allele origin: germline. Affected: yes.
Comment: Not observed at significant frequency in large population cohorts (gnomAD); In silico analysis supports that this missense variant has a deleterious effect on protein structure/function; Has not been previously published as pathogenic or benign to our knowledge

NM_000540.3(RYR1):c.7697C>T (p.Ala2566Val)

Gene: RYR1 (ryanodine receptor 1; plus strand). Cytogenetic location: 19q13.2.
Variant type: single nucleotide variant.
Coding change: c.7697C>T on transcript NM_000540.3 (MANE Select); coding-DNA position 7697, C replaced by T.
Protein change: p.Ala2566Val; replaces alanine 2566 with valine.
Molecular consequence: missense variant.
Genome position (GRCh38, 1-based): chr19:38,502,589, C>T. VCF-style: chr19-38502589-C-T. GRCh37 (hg19) VCF-style: chr19-38993229-C-T.
Other names: c.7697C>T, p.Ala2566Val (NM_001042723.2); short protein forms A2566V.
Identifiers: ClinVar variation 2579389 (VCV002579389.3), dbSNP rs1285547623, ClinGen allele CA405671672.